The following is an entry in ClinVar:

ClinVar aggregate classification (germline): Benign. Review status: criteria provided, multiple submitters, no conflicts (2 of 4 stars). 2 submissions from 2 submitters: Benign (2). Last evaluated 2016-03-28.

Allele frequency attached by ClinVar (database versions not stated): ExAC 0.49357; TOPMed 0.49797; 1000 Genomes Project 0.52915; 1000 Genomes Project 30x 0.53420; gnomAD exomes 0.44075 and 0.46027; gnomAD 0.48276 and 0.48293; ESP Exome Variant Server 0.49276.
gnomAD v4.1: 689,766 of 1,550,514 alleles (44%); highest among the groups gnomAD compares: African/African-American, 62%; 155,798 homozygotes.

Submissions (2):

Laboratory for Molecular Medicine, Mass General Brigham Personalized Medicine
Classification: Benign. Last evaluated: 2016-03-28. Review status: criteria provided, single submitter. Criteria: LMM Criteria. Collection method: clinical testing. Allele origin: germline.
Comment: Variant identified in a genome or exome case(s) and assessed due to predicted null impact of the variant or pathogenic assertions in the literature or databases. Disclaimer: This variant has not undergone full assessment. The following are preliminary notes: Frequency

Breakthrough Genomics
Classification: Benign. Review status: criteria provided, single submitter. Criteria: ACMG Guidelines, 2015. Collection method: not provided. Allele origin: germline. Inheritance: Unknown mechanism. Affected: yes.

NM_001367479.1(DNAH14):c.11159T>C (p.Val3720Ala)

Gene: DNAH14 (dynein axonemal heavy chain 14; plus strand). Cytogenetic location: 1q42.12.
Variant type: single nucleotide variant.
Coding change: c.11159T>C on transcript NM_001367479.1 (MANE Select); coding-DNA position 11159, T replaced by C.
Protein change: p.Val3720Ala; replaces valine 3720 with alanine.
Molecular consequence: missense variant.
Genome position (GRCh38, 1-based): chr1:225,346,517, T>C. VCF-style: chr1-225346517-T-C. GRCh37 (hg19) VCF-style: chr1-225534219-T-C.
Other names: short protein forms V3720A.
Identifiers: ClinVar variation 402659 (VCV000402659.5), dbSNP rs7527925, ClinGen allele CA1416701.